The following is an entry in ClinVar:

NM_000051.4(ATM):c.7630-17_7630-16del

Genes: ATM (ATM serine/threonine kinase; plus strand), C11orf65 (chromosome 11 open reading frame 65; minus strand). Cytogenetic location: 11q22.3.
Variant type: Deletion.
Coding change: c.7630-17_7630-16del on transcript NM_000051.4 (MANE Select); 17 bases into the intron before coding-DNA position 7630 through 16 bases into the intron before coding-DNA position 7630, 2 bases deleted (TA; older notation c.7630-17_7630-16delTA).
Molecular consequence: intron variant.
Genome position (GRCh38, 1-based): chr11:108,331,862-108,331,863, TA deleted; deleting any 2 consecutive bases within chr11:108,331,861-108,331,863 gives the same sequence; the c. name uses the placement nearest the transcript's 3' end. VCF-style (leftmost placement, unchanged base first): chr11-108331860-AAT-A. GRCh37 (hg19) VCF-style: chr11-108202587-AAT-A.
Other names: c.7630-17_7630-16del (NM_001351834.2); c.641-22791_641-22790del (NM_001330368.2); c.*38+3358_*38+3359del (NM_001351110.2).
Identifiers: ClinVar variation 1976295 (VCV001976295.5), dbSNP rs2547280594, ClinGen allele CA2580083521.

ClinVar aggregate classification (germline): Uncertain significance (1 of 4 stars; one submission).

Conditions:
Ataxia-telangiectasia syndrome (AT). Also called: Ataxia-telangiectasia, complementation group D; AT, COMPLEMENTATION GROUP C; ATAXIA-TELANGIECTASIA, COMPLEMENTATION GROUP A; ATAXIA-TELANGIECTASIA, FRESNO VARIANT; Ataxia-telangiectasia, complementation group E; LOUIS-BAR SYNDROME. Identifiers: Orphanet 100, MedGen C0004135, MONDO:0008840, OMIM 208900.

Submission:

Labcorp Genetics (formerly Invitae), Labcorp
Classification: Uncertain significance for Ataxia-telangiectasia syndrome. Last evaluated: 2022-09-25. Review status: criteria provided, single submitter. Criteria: Invitae Variant Classification Sherloc (09022015). Collection method: clinical testing. Allele origin: germline.
Comment: This sequence change falls in intron 51 of the ATM gene. It does not directly change the encoded amino acid sequence of the ATM protein. This variant is not present in population databases (gnomAD no frequency). This variant has not been reported in the literature in individuals affected with ATM-related conditions. Studies have shown that this variant is associated with altered splicing resulting in unknown protein product impact (Invitae). In summary, the available evidence is currently insufficient to determine the role of this variant in disease. Therefore, it has been classified as a Variant of Uncertain Significance.